The following is an entry in ClinVar:

NM_000308.4(CTSA):c.358-2A>G

Gene: CTSA (cathepsin A; plus strand). Cytogenetic location: 20q13.12.
Variant type: single nucleotide variant.
Coding change: c.358-2A>G on transcript NM_000308.4 (MANE Select); the canonical splice acceptor site of the intron before coding-DNA position 358, A replaced by G.
Molecular consequence: splice acceptor variant.
Genome position (GRCh38, 1-based): chr20:45,892,396, A>G. VCF-style: chr20-45892396-A-G. GRCh37 (hg19) VCF-style: chr20-44521035-A-G.
Other names: c.358-2A>G (NM_001127695.3); c.307-2A>G (NM_001167594.3).
Identifiers: ClinVar variation 1922952 (VCV001922952.6), dbSNP rs774528518, ClinGen allele CA9883013.

ClinVar aggregate classification (germline): Likely pathogenic. Review status: criteria provided, multiple submitters, no conflicts (2 of 4 stars). 2 submissions from 2 submitters: Likely pathogenic (2). Last evaluated 2024-04-26.

Conditions:
Combined deficiency of sialidase AND beta galactosidase (GSL). Also called: CATHEPSIN A DEFICIENCY; GOLDBERG SYNDROME; NEURAMINIDASE DEFICIENCY WITH BETA-GALACTOSIDASE DEFICIENCY; NEURAMINIDASE/BETA-GALACTOSIDASE EXPRESSION; PPCA DEFICIENCY; PROTECTIVE PROTEIN/CATHEPSIN A DEFICIENCY. Identifiers: Orphanet 351, MedGen C0268233, MONDO:0009737, OMIM 256540.

Allele frequency attached by ClinVar (database versions not stated): gnomAD exomes below 0.00001; TOPMed below 0.00001; ExAC 0.00001.

Submissions (2):

Fulgent Genetics
Classification: Likely pathogenic for Combined deficiency of sialidase AND beta galactosidase. Last evaluated: 2024-04-26. Review status: criteria provided, single submitter. Criteria: ACMG Guidelines, 2015. Collection method: clinical testing. Allele origin: germline.

Labcorp Genetics (formerly Invitae), Labcorp
Classification: Likely pathogenic for Combined deficiency of sialidase AND beta galactosidase. Last evaluated: 2023-11-20. Review status: criteria provided, single submitter. Criteria: Invitae Variant Classification Sherloc (09022015). Collection method: clinical testing. Allele origin: germline.
Comment: This sequence change affects an acceptor splice site in intron 4 of the CTSA gene. It is expected to disrupt RNA splicing. Variants that disrupt the donor or acceptor splice site typically lead to a loss of protein function (PMID: 16199547), and loss-of-function variants in CTSA are known to be pathogenic (PMID: 15110321, 23915561). This variant is present in population databases (rs774528518, gnomAD 0.0009%). This variant has not been reported in the literature in individuals affected with CTSA-related conditions. ClinVar contains an entry for this variant (Variation ID: 1922952). Algorithms developed to predict the effect of sequence changes on RNA splicing suggest that this variant may disrupt the consensus splice site. In summary, the currently available evidence indicates that the variant is pathogenic, but additional data are needed to prove that conclusively. Therefore, this variant has been classified as Likely Pathogenic.

Literature cited by the submitters: PubMed 16199547 (cited by Labcorp Genetics (formerly Invitae), Labcorp); PubMed 15110321 (cited by Labcorp Genetics (formerly Invitae), Labcorp); PubMed 23915561 (cited by Labcorp Genetics (formerly Invitae), Labcorp).